The following is an entry in ClinVar:

ClinVar aggregate classification (germline): Pathogenic (1 of 4 stars; one submission).

Submission:

Quest Diagnostics Nichols Institute San Juan Capistrano
Classification: Pathogenic. Last evaluated: 2022-09-29. Review status: criteria provided, single submitter. Criteria: ACMG/ClinGen CNV Guidelines, 2019. Collection method: clinical testing. Allele origin: unknown.
Comment: The copy number gain of 16p13.3 involves numerous protein-coding genes and lies within the larger region defined for chromosome 16p13.3 duplication syndrome (OMIM 613458). Several publications support CREBBP as the critical gene in this region (Demeer 2013, Mattina 2012, Thienpont 2010). Heterozygous variants of CREBBP are associated with autosomal dominant Rubinstein-Taybi syndrome 1 (OMIM 180849). Therefore, based on current medical literature and gene content, this copy number variant (CNV) is interpreted as pathogenic. References: Demeer et al., Eur J Med Genet. 2013 Jan;56(1):26-31. PMID: 23063576 Mattina et al., Eur J Med Genet. 2012 Dec;55(12):747-52. PMID: 23032921 Thienpont et al., J Med Genet. 2010 Mar;47(3):155-61. PMID: 19833603

GRCh37/hg19 16p13.3(chr16:2606711-3935836)x3

Genes: BICDL2 (BICD family like cargo adaptor 2; minus strand), C16orf90 (chromosome 16 open reading frame 90; minus strand), CLDN6 (claudin 6; minus strand), CLDN9 (claudin 9; plus strand), CLUAP1 (clusterin associated protein 1; plus strand) and 40 more. Cytogenetic location: 16p13.3.
Variant type: copy number gain.
Change: copy number 3 (three copies instead of two) of chr16:2,606,711-3,935,836 (1.33 Mb, GRCh37 coordinates, 1-based), cytogenetic band 16p13.3.
Identifiers: ClinVar variation 2684774 (VCV002684774.1).